The following is an entry in ClinVar:

NM_001035.3(RYR2):c.8873A>G (p.Gln2958Arg)

Gene: RYR2 (ryanodine receptor 2; plus strand). Cytogenetic location: 1q43.
Variant type: single nucleotide variant.
Coding change: c.8873A>G on transcript NM_001035.3 (MANE Select); coding-DNA position 8873, A replaced by G.
Protein change: p.Gln2958Arg; replaces glutamine 2958 with arginine.
Molecular consequence: missense variant.
Genome position (GRCh38, 1-based): chr1:237,678,090, A>G. VCF-style: chr1-237678090-A-G. GRCh37 (hg19) VCF-style: chr1-237841390-A-G.
Other names: p.Q2958R:CAA>CGA; short protein forms Q2958R.
Identifiers: ClinVar variation 36750 (VCV000036750.48), dbSNP rs34967813, ClinGen allele CA011083.

ClinVar aggregate classification (germline): Benign/Likely benign. Review status: criteria provided, multiple submitters, no conflicts (2 of 4 stars). 21 submissions from 20 submitters: Benign (12); Likely benign (4). 5 of the submissions do not count toward it. Last evaluated 2026-02-04.

Conditions:
Cardiovascular phenotype. Identifiers: MedGen CN230736.
Catecholaminergic polymorphic ventricular tachycardia (CVPT). Also called: Catecholamine-induced polymorphic ventricular tachycardia. Identifiers: Orphanet 3286, MedGen C5574922, MONDO:0017990.
Cardiomyopathy (CMYO). Also called: Cardiomyopathies. Identifiers: Orphanet 167848, MedGen C0878544, MONDO:0004994, HP:0001638. Inheritance: Various modes of inheritance.
Catecholaminergic polymorphic ventricular tachycardia 1. Also called: VENTRICULAR TACHYCARDIA, STRESS-INDUCED POLYMORPHIC 1; RYR2-Related Catecholaminergic Polymorphic Ventricular Tachycardia; VENTRICULAR TACHYCARDIA, CATECHOLAMINERGIC POLYMORPHIC, 1, WITH OR WITHOUT ATRIAL DYSFUNCTION AND/OR DILATED CARDIOMYOPATHY. Identifiers: Orphanet 3286, MedGen C1631597, MONDO:0011484, OMIM 604772.
Arrhythmogenic right ventricular dysplasia 2. Identifiers: MedGen C1832931.

Allele frequency attached by ClinVar (database versions not stated): 1000 Genomes Project 0.09924; gnomAD 0.20187 and 0.20632; 1000 Genomes Project 30x 0.09916; gnomAD exomes 0.27262 and 0.21413; ESP Exome Variant Server 0.22487; ExAC 0.25333; TOPMed 0.19402.
gnomAD v4.1: 422,026 of 1,596,616 alleles (26%); highest among the groups gnomAD compares: Non-Finnish European, 31%; 62,959 homozygotes.

Submissions (21):

Labcorp Genetics (formerly Invitae), Labcorp
Classification: Benign for Catecholaminergic polymorphic ventricular tachycardia 1. Last evaluated: 2026-02-04. Review status: criteria provided, single submitter. Criteria: Invitae Variant Classification Sherloc (09022015). Collection method: clinical testing. Allele origin: germline.

ARUP Laboratories, Molecular Genetics and Genomics, ARUP Laboratories
Classification: Benign. Last evaluated: 2025-07-28. Review status: criteria provided, single submitter. Criteria: ARUP Molecular Germline Variant Investigation Process 2024. Collection method: clinical testing. Allele origin: germline.

Molecular Diagnostic Laboratory for Inherited Cardiovascular Disease, Montreal Heart Institute
Classification: Benign. Last evaluated: 2025-04-09. Review status: criteria provided, single submitter. Criteria: ACMG Guidelines, 2015. Collection method: clinical testing. Allele origin: germline. Affected: no.

Blueprint Genetics
Classification: Likely benign. Last evaluated: 2024-11-26. Review status: criteria provided, single submitter. Criteria: ACMG Guidelines, 2015. Collection method: clinical testing. Allele origin: germline.

All of Us Research Program, National Institutes of Health
Classification: Benign for Catecholaminergic polymorphic ventricular tachycardia. Last evaluated: 2024-10-02. Review status: criteria provided, single submitter. Criteria: ACMG Guidelines, 2015. Collection method: clinical testing. Allele origin: germline. Inheritance: Autosomal dominant inheritance. Observed: 63,590 variant alleles, 52,888 heterozygotes, 10,690 homozygotes, 12 hemizygotes.
Comment: This study involves interpretation of variants in research participants for the purpose of population health screening. Participant phenotype was not available at the time of variant classification. Additional details can be found in publication PMID: 35346344, PMCID: PMC8962531

Color Diagnostics, LLC DBA Color Health
Classification: Benign for Cardiomyopathy. Last evaluated: 2018-03-15. Review status: criteria provided, single submitter. Criteria: ACMG Guidelines, 2015. Collection method: clinical testing. Allele origin: germline.

Illumina Laboratory Services, Illumina
Classification: Likely benign for Catecholaminergic polymorphic ventricular tachycardia 1. Last evaluated: 2017-04-27. Review status: criteria provided, single submitter. Criteria: ICSL Variant Classification Criteria 13 December 2019. Collection method: clinical testing. Allele origin: germline.
Comment: This variant was observed as part of a predisposition screen in an ostensibly healthy population. A literature search was performed for the gene, cDNA change, and amino acid change (where applicable). No publications were found based on this search. Allele frequency data from public databases allowed determination this variant is unlikely to cause disease. Therefore, this variant is classified as likely benign.

Illumina Laboratory Services, Illumina
Classification: Likely benign for Catecholaminergic polymorphic ventricular tachycardia 1. Last evaluated: 2017-04-27. Review status: criteria provided, single submitter. Criteria: ICSL Variant Classification Criteria 13 December 2019. Collection method: clinical testing. Allele origin: germline.
Comment: the same text as in the submission from Illumina Laboratory Services, Illumina above.

Ambry Genetics
Classification: Benign for Cardiovascular phenotype. Last evaluated: 2015-03-09. Review status: criteria provided, single submitter. Criteria: Ambry Variant Classification Scheme 2023. Collection method: clinical testing. Allele origin: germline.

Mayo Clinic Laboratories, Mayo Clinic
Classification: Benign. Last evaluated: 2014-05-07. Review status: criteria provided, single submitter. Criteria: ACMG Guidelines, 2015. Collection method: clinical testing. Allele origin: germline. Observed: 544 variant alleles.

Biesecker Lab/Clinical Genomics Section, National Institutes of Health
Classification: Benign. Last evaluated: 2013-06-24. Review status: criteria provided, single submitter. Criteria: Ng et al. (Circ Cardiovasc Genet. 2013). Collection method: research. Allele origin: unknown. Observed: 202 variant alleles. Study: ClinSeq.
Comment: The study set was not selected for affection status in relation to any cancer. Pathogenicity categories were based on literature curation. See Pubmed ID:23861362 for details.

Medical sequencing

Eurofins Ntd Llc (ga)
Classification: Benign. Last evaluated: 2013-03-12. Review status: criteria provided, single submitter. Criteria: EGL Classification Definitions 2015. Collection method: clinical testing. Allele origin: germline. Observed: 2 variant alleles, 2 heterozygotes.

Laboratory for Molecular Medicine, Mass General Brigham Personalized Medicine
Classification: Benign. Last evaluated: 2012-04-10. Review status: criteria provided, single submitter. Criteria: LMM Criteria. Collection method: clinical testing. Allele origin: germline. Observed: 726 variant alleles.

GeneDx
Classification: Benign. Last evaluated: 2011-08-08. Review status: criteria provided, single submitter. Criteria: GeneDx Variant Classification (06012015). Collection method: clinical testing. Allele origin: germline. Affected: yes.
Comment: This variant is considered likely benign or benign based on one or more of the following criteria: it is a conservative change, it occurs at a poorly conserved position in the protein, it is predicted to be benign by multiple in silico algorithms, and/or has population frequency not consistent with disease.

Breakthrough Genomics
Classification: Likely benign. Review status: criteria provided, single submitter. Criteria: ACMG Guidelines, 2015. Collection method: not provided. Allele origin: germline. Inheritance: Autosomal dominant inheritance. Affected: yes.

PreventionGenetics, part of Exact Sciences
Classification: Benign. Review status: criteria provided, single submitter. Criteria: ACMG Guidelines, 2015. Collection method: clinical testing. Allele origin: germline.

Women's Health and Genetics/Laboratory Corporation of America, LabCorp
Classification: Benign for Cardiomyopathy. Last evaluated: 2014-02-26. Review status: no assertion criteria provided. Collection method: clinical testing. Allele origin: germline. Not counted in ClinVar's aggregate classification.

Clinical Genetics, Academic Medical Center
Classification: Benign. Review status: no assertion criteria provided. Collection method: clinical testing. Allele origin: germline. Affected: yes. Study: VKGL Data-share Consensus. Not counted in ClinVar's aggregate classification.

Diagnostic Laboratory, Department of Genetics, University Medical Center Groningen
Classification: Benign. Review status: no assertion criteria provided. Collection method: clinical testing. Allele origin: germline. Affected: yes. Study: VKGL Data-share Consensus. Not counted in ClinVar's aggregate classification.

Genome Diagnostics Laboratory, University Medical Center Utrecht
Classification: Benign. Review status: no assertion criteria provided. Collection method: clinical testing. Allele origin: germline. Affected: yes. Study: VKGL Data-share Consensus. Not counted in ClinVar's aggregate classification.

Joint Genome Diagnostic Labs from Nijmegen and Maastricht, Radboudumc and MUMC+
Classification: Benign. Review status: no assertion criteria provided. Collection method: clinical testing. Allele origin: germline. Affected: yes. Study: VKGL Data-share Consensus. Not counted in ClinVar's aggregate classification.